The following is an entry in ClinVar:

NM_017617.5(NOTCH1):c.5189C>T (p.Pro1730Leu)

Gene: NOTCH1 (notch receptor 1; minus strand). Cytogenetic location: 9q34.3.
Variant type: single nucleotide variant.
Coding change: c.5189C>T on transcript NM_017617.5 (MANE Select); coding-DNA position 5189, C replaced by T.
Protein change: p.Pro1730Leu; replaces proline 1730 with leucine.
Molecular consequence: missense variant.
Genome position (GRCh38, 1-based): chr9:136,502,467, G>A on the plus strand (C>T on the coding strand, the complement: NOTCH1 is on the minus strand). VCF-style: chr9-136502467-G-A. GRCh37 (hg19) VCF-style: chr9-139396919-G-A.
Other names: p.Pro1730Leu; c.5189C>T (NM_017617.4); c.5189C>T, p.Pro1730Leu (LRG_1122t1); short protein forms P1730L.
Identifiers: ClinVar variation 409080 (VCV000409080.50), dbSNP rs375897519, ClinGen allele CA5340369.

ClinVar aggregate classification (germline): Conflicting classifications of pathogenicity. Review status: criteria provided, conflicting classifications (1 of 4 stars). 12 submissions from 12 submitters: Uncertain significance (4); Likely benign (6). 2 of the submissions do not count toward it. Last evaluated 2026-03-16.

Conditions:
NOTCH1-related disorder. Also called: NOTCH1-related condition; NOTCH1-related disorders.
Aortic valve disease 1 (AOVD1). Identifiers: MedGen C3887892, MONDO:0024523, OMIM 109730.
Adams-Oliver syndrome 5 (AOS5). Identifiers: Orphanet 974, MedGen C4014970, MONDO:0014459, OMIM 616028.
Familial thoracic aortic aneurysm and aortic dissection (TAAD). Also called: Thoracic aortic aneurysms and dissections. Identifiers: Orphanet 91387, MedGen C4707243, MONDO:0019625.

Allele frequency attached by ClinVar (database versions not stated): ESP Exome Variant Server 0.00009; TOPMed 0.00023; gnomAD 0.00024 and 0.00027; ExAC 0.00041; 1000 Genomes Project 0.00060; 1000 Genomes Project 30x 0.00094.
gnomAD v4.1: 412 of 1,583,138 alleles (0.026%); highest among the groups gnomAD compares: Non-Finnish European, 0.031%; 1 homozygote.

Submissions (12):

Women's Health and Genetics/Laboratory Corporation of America, LabCorp
Classification: Likely benign. Last evaluated: 2026-03-16. Review status: criteria provided, single submitter. Criteria: LabCorp Variant Classification Summary - May 2015. Collection method: clinical testing. Allele origin: germline.
Comment: Variant summary: NOTCH1 c.5189C>T (p.Pro1730Leu) results in a non-conservative amino acid change located in the Notch, NODP domain of the encoded protein sequence. Algorithms developed to predict the effect of missense changes on protein structure and function are either unavailable or do not agree on the potential impact of this missense change. The variant allele was found at a frequency of 0.00026 in 1576362 control chromosomes in the gnomAD database, including 1 homozygote. The observed variant frequency exceeds the estimated maximal expected allele frequency for disease-causing variants in NOTCH1. To our knowledge, no occurrence of c.5189C>T in individuals affected with NOTCH1-related conditions and no experimental evidence demonstrating its impact on protein function have been reported. ClinVar contains an entry for this variant (Variation ID: 409080). Based on the evidence outlined above, the variant was classified as likely benign.

Labcorp Genetics (formerly Invitae), Labcorp
Classification: Likely benign for Adams-Oliver syndrome 5. Last evaluated: 2026-01-25. Review status: criteria provided, single submitter. Criteria: Invitae Variant Classification Sherloc (09022015). Collection method: clinical testing. Allele origin: germline.

Mayo Clinic Laboratories, Mayo Clinic
Classification: Uncertain significance. Last evaluated: 2025-10-30. Review status: criteria provided, single submitter. Criteria: ACMG Guidelines, 2015. Collection method: clinical testing. Allele origin: germline. Observed: 2 variant alleles.
Comment: BP4_moderate

GeneDx
Classification: Uncertain significance. Last evaluated: 2025-09-10. Review status: criteria provided, single submitter. Criteria: GeneDx Variant Classification Process June 2021. Collection method: clinical testing. Allele origin: germline. Affected: yes.
Comment: Has not been previously published as pathogenic or benign to our knowledge; In silico analysis indicates that this missense variant does not alter protein structure/function

ARUP Laboratories, Molecular Genetics and Genomics, ARUP Laboratories
Classification: Uncertain significance. Last evaluated: 2025-07-10. Review status: criteria provided, single submitter. Criteria: ARUP Molecular Germline Variant Investigation Process 2024. Collection method: clinical testing. Allele origin: germline.
Comment: The NOTCH1 c.5189C>T; p.Pro1730Leu variant (rs375897519), to our knowledge, is not reported in the medical literature but is reported in ClinVar (Variation ID: 409080). This variant is found in the general population with an overall allele frequency of 0.02% (55/227144 alleles) in the Genome Aggregation Database (v2.1.1). Computational analyses predict that this variant is neutral (REVEL: 0.036). Due to limited information, the clinical significance of this variant is uncertain at this time.

PreventionGenetics, part of Exact Sciences
Classification: Likely benign for NOTCH1-related condition. Last evaluated: 2025-06-05. Review status: criteria provided, single submitter. Criteria: ACMG Guidelines, 2015. Collection method: clinical testing. Allele origin: germline.
Comment: This variant is classified as likely benign based on ACMG/AMP sequence variant interpretation guidelines (Richards et al. 2015 PMID: 25741868, with internal and published modifications).

Ambry Genetics
Classification: Likely benign for Familial thoracic aortic aneurysm and aortic dissection. Last evaluated: 2024-10-17. Review status: criteria provided, single submitter. Criteria: Ambry Variant Classification Scheme 2023. Collection method: clinical testing. Allele origin: germline.

CeGaT Center for Human Genetics Tuebingen
Classification: Likely benign. Last evaluated: 2024-05-01. Review status: criteria provided, single submitter. Criteria: CeGaT Center For Human Genetics Tuebingen Variant Classification Criteria Version 2. Collection method: clinical testing. Allele origin: germline. Affected: yes. Observed: 1 variant allele.
Comment: NOTCH1: BP4

CHEO Genetics Diagnostic Laboratory, Children's Hospital of Eastern Ontario
Classification: Likely benign for Familial thoracic aortic aneurysm and aortic dissection. Last evaluated: 2018-11-05. Review status: criteria provided, single submitter. Criteria: ACMG Guidelines, 2015. Collection method: clinical testing. Allele origin: germline.

Fulgent Genetics
Classification: Uncertain significance for Aortic valve disease 1; Adams-Oliver syndrome 5. Last evaluated: 2018-10-31. Review status: criteria provided, single submitter. Criteria: ACMG Guidelines, 2015. Collection method: clinical testing. Allele origin: unknown.

Clinical Genetics DNA and cytogenetics Diagnostics Lab, Erasmus MC, Erasmus Medical Center
Classification: Likely benign. Review status: no assertion criteria provided. Collection method: clinical testing. Allele origin: germline. Affected: yes. Study: VKGL Data-share Consensus. Not counted in ClinVar's aggregate classification.

Joint Genome Diagnostic Labs from Nijmegen and Maastricht, Radboudumc and MUMC+
Classification: Likely benign. Review status: no assertion criteria provided. Collection method: clinical testing. Allele origin: germline. Affected: yes. Study: VKGL Data-share Consensus. Not counted in ClinVar's aggregate classification.

Literature cited by the submitters: PubMed 24943832 (cited by Women's Health and Genetics/Laboratory Corporation of America, LabCorp); PubMed 16614245 (cited by Women's Health and Genetics/Laboratory Corporation of America, LabCorp); PubMed 21670202 (cited by Women's Health and Genetics/Laboratory Corporation of America, LabCorp); PubMed 22210878 (cited by Women's Health and Genetics/Laboratory Corporation of America, LabCorp); PubMed 19635999 (cited by Women's Health and Genetics/Laboratory Corporation of America, LabCorp); PubMed 26837699 (cited by Women's Health and Genetics/Laboratory Corporation of America, LabCorp); PubMed 23086750 (cited by Women's Health and Genetics/Laboratory Corporation of America, LabCorp); PubMed 19245433 (cited by Women's Health and Genetics/Laboratory Corporation of America, LabCorp); PubMed 22077063 (cited by Women's Health and Genetics/Laboratory Corporation of America, LabCorp); PubMed 15472075 (cited by Women's Health and Genetics/Laboratory Corporation of America, LabCorp); PubMed 23734977 (cited by Women's Health and Genetics/Laboratory Corporation of America, LabCorp); PubMed 22858860 (cited by Women's Health and Genetics/Laboratory Corporation of America, LabCorp).